The following is an entry in ClinVar:

ClinVar aggregate classification (germline): Uncertain significance. Review status: criteria provided, multiple submitters, no conflicts (2 of 4 stars). 4 submissions from 4 submitters: Uncertain significance (3). 1 of the submissions does not count toward it. Last evaluated 2025-09-10.

Conditions:
MID1-related disorder. Also called: MID1-related condition.
Inborn genetic diseases. Identifiers: MedGen C0950123, MeSH D030342.
X-linked Opitz G/BBB syndrome (GBBB). Also called: Opitz-Frias syndrome; MID1-Related Opitz G/BBB Syndrome; OPITZ BBBG SYNDROME, TYPE I; OPITZ SYNDROME, X-LINKED; OPITZ-G SYNDROME, TYPE I. Identifiers: Orphanet 2745, MedGen C2936904, MONDO:0010222, OMIM 300000.

Submissions (4):

Myriad Genetics, Inc.
Classification: Uncertain significance for X-linked Opitz G/BBB syndrome. Last evaluated: 2025-09-10. Review status: criteria provided, single submitter. Criteria: Myriad Autosomal Dominant, Autosomal Recessive and X-Linked Classification Criteria (2023). Collection method: clinical testing. Allele origin: unknown.
Comment: NM_000381.3(MID1):c.1544_1546delAGA(K515del) is an in-frame deletion classified as a variant of uncertain significance in the context of Opitz G/BBB syndrome, MID1-related. K515del has not been observed in cases with relevant disease. Relevant functional assessments of this variant are not available in the literature. K515del has been observed in referenced population frequency databases. In summary, there is insufficient evidence to classify NM_000381.3(MID1):c.1544_1546delAGA(K515del) as pathogenic or benign. Please note: this variant was assessed in the context of healthy population screening.

Ambry Genetics
Classification: Uncertain significance for Inborn genetic diseases. Last evaluated: 2015-12-24. Review status: criteria provided, single submitter. Criteria: Ambry Variant Classification Scheme 2023. Collection method: clinical testing. Allele origin: germline.
Comment: The c.1544_1546delAGA variant (also known as p.K515DEL) is located in coding exon 8 of the MID1 gene. This variant results from an in-frame AGA deletion of from nucleotide positions 1544 to 1546. This results in the deletion of lysine at codon 515. This variant was not reported in population based cohorts in the following databases: Database of Single Nucleotide Polymorphisms (dbSNP), NHLBI Exome Sequencing Project (ESP), and 1000 Genomes Project. In the ESP, this variant was not observed in 6503 samples with coverage at this position. This amino acid position is highly conserved in available vertebrate species. Since supporting evidence is limited at this time, the clinical significance of this variant remains unclear.

Genetic Services Laboratory, University of Chicago
Classification: Uncertain significance. Last evaluated: 2015-11-20. Review status: criteria provided, single submitter. Criteria: ACMG Guidelines, 2015. Collection method: clinical testing. Allele origin: germline. Affected: no.

PreventionGenetics, part of Exact Sciences
Classification: Uncertain significance for MID1-related condition. Last evaluated: 2024-08-23. Review status: no assertion criteria provided. Collection method: clinical testing. Allele origin: germline. Not counted in ClinVar's aggregate classification.
Comment: The MID1 c.1544_1546delAGA variant is predicted to result in an in-frame deletion (p.Lys515del). To our knowledge, this variant has not been reported in the literature. This variant is reported in 1 of 183304 alleles in gnomAD. At this time, the clinical significance of this variant is uncertain due to the absence of conclusive functional and genetic evidence.

NM_000381.4(MID1):c.1541AGA[1] (p.Lys515del)

Gene: MID1 (midline 1; minus strand). Cytogenetic location: Xp22.2.
Variant type: Microsatellite.
Coding change: c.1541AGA[1] on transcript NM_000381.4 (MANE Select); one copy of the 3-base unit AGA starting at c.1541; the reference has two copies in a row; one copy, 3 bases deleted; also written c.1544_1546del.
Protein change: p.Lys515del; deletes lysine 515.
Molecular consequence: inframe deletion.
Genome position (GRCh38, 1-based): chrX:10,454,979-10,454,981, TCT deleted on the plus strand (AGA on the coding strand, the reverse complement: MID1 is on the minus strand); deleting any 3 consecutive bases within chrX:10,454,979-10,454,985 gives the same sequence; the position shown is the placement nearest the transcript's 3' end. VCF-style (leftmost placement, unchanged base first): chrX-10454978-CTCT-C. GRCh37 (hg19) VCF-style: chrX-10423018-CTCT-C.
Other names: c.1541AGA[1], p.Lys515del (NM_001098624.2, NM_001193277.1, NM_001347733.2 and 1 more transcripts); c.1427AGA[1], p.Lys477del (NM_033289.2); c.1544_1546del (NM_000381.3); short protein forms K515del, K477del.
Identifiers: ClinVar variation 435866 (VCV000435866.11), dbSNP rs1300755857, ClinGen allele CA640593454.
Genomic context (GRCh38, chrX:10,454,978, plus strand): 5'-ATAAACACATTTCCAGCTACTCCATAGCTCCCCTGGCTGGTGAAGCGTTCAGGTGTGTGA[CTCT>C]TCTTGGATGATGACTCATCACGTTCTACTGTCAAGTTATCATGGGACACCTTCAGTTTTC-3'